The following is an entry in ClinVar:

ClinVar aggregate classification (germline): Benign. Review status: criteria provided, multiple submitters, no conflicts (2 of 4 stars). 2 submissions from 2 submitters: Benign (2). Last evaluated 2018-07-09.

Allele frequency attached by ClinVar (database versions not stated): gnomAD exomes 0.65981 and 0.62948; 1000 Genomes Project 0.54373; 1000 Genomes Project 30x 0.54544; TOPMed 0.57393; gnomAD 0.59151 and 0.59449; ESP Exome Variant Server 0.59260; ExAC 0.62881.
gnomAD v4.1: 1,053,556 of 1,613,580 alleles (65%); highest among the groups gnomAD compares: South Asian, 74%; 349,468 homozygotes.

Submissions (2):

GeneDx
Classification: Benign. Last evaluated: 2018-07-09. Review status: criteria provided, single submitter. Criteria: GeneDx Variant Classification Process June 2021. Collection method: clinical testing. Allele origin: germline. Affected: yes.
Comment: This variant is associated with the following publications: (PMID: 15983231)

Breakthrough Genomics
Classification: Benign. Review status: criteria provided, single submitter. Criteria: ACMG Guidelines, 2015. Collection method: not provided. Allele origin: germline. Inheritance: Unknown mechanism. Affected: yes.

NM_001394028.1(PYY):c.215C>G (p.Thr72Arg)

Gene: PYY (peptide YY; minus strand). Cytogenetic location: 17q21.31.
Variant type: single nucleotide variant.
Coding change: c.215C>G on transcript NM_001394028.1 (MANE Select); coding-DNA position 215, C replaced by G.
Protein change: p.Thr72Arg; replaces threonine 72 with arginine.
Molecular consequence: missense variant.
Genome position (GRCh38, 1-based): chr17:43,953,163, G>C on the plus strand (C>G on the coding strand, the complement: PYY is on the minus strand). VCF-style: chr17-43953163-G-C. GRCh37 (hg19) VCF-style: chr17-42030531-G-C.
Other names: c.215C>G, p.Thr72Arg (NM_001394029.1, NM_004160.6); short protein forms T72R.
Identifiers: ClinVar variation 1178202 (VCV001178202.3), dbSNP rs1058046, ClinGen allele CA8594967.